The following is an entry in ClinVar:

NM_020738.4(KIDINS220):c.3440C>T (p.Thr1147Met)

Gene: KIDINS220 (kinase D interacting substrate 220; minus strand). Cytogenetic location: 2p25.1.
Variant type: single nucleotide variant.
Coding change: c.3440C>T on transcript NM_020738.4 (MANE Select); coding-DNA position 3440, C replaced by T.
Protein change: p.Thr1147Met; replaces threonine 1147 with methionine.
Molecular consequence: missense variant. On other transcripts: non-coding transcript variant (1), intron variant (8).
Genome position (GRCh38, 1-based): chr2:8,747,975, G>A on the plus strand (C>T on the coding strand, the complement: KIDINS220 is on the minus strand). VCF-style: chr2-8747975-G-A. GRCh37 (hg19) VCF-style: chr2-8888105-G-A.
Other names: c.3443C>T, p.Thr1148Met (NM_001348729.2, NM_001348731.2); c.3440C>T, p.Thr1147Met (NM_001348732.2, NM_001348738.2); c.3414+2137C>T (NM_001348741.2, NM_001348742.2, NM_001348743.2 and 1 more transcripts); c.3417+2137C>T (NM_001348739.2, NM_001348740.2, NM_001348734.2); c.3288+2137C>T (NM_001348736.2); short protein forms T1147M, T1148M.
Identifiers: ClinVar variation 2458550 (VCV002458550.5), dbSNP rs777845312, ClinGen allele CA1519646.

ClinVar aggregate classification (germline): Uncertain significance. Review status: criteria provided, multiple submitters, no conflicts (2 of 4 stars). 2 submissions from 2 submitters: Uncertain significance (2). Last evaluated 2025-08-26.

Conditions:
KIDINS220-related disorder. Also called: KIDINS220-related condition.
Inborn genetic diseases. Identifiers: MedGen C0950123, MeSH D030342.

Allele frequency attached by ClinVar (database versions not stated): gnomAD exomes 0.00001; ExAC 0.00002; TOPMed 0.00002; gnomAD 0.00003.
gnomAD v4.1: 25 of 1,590,060 alleles (0.0016%); highest among the groups gnomAD compares: East Asian, 0.0046%; no homozygotes.

Submissions (2):

Ambry Genetics
Classification: Uncertain significance for Inborn genetic diseases. Last evaluated: 2025-08-26. Review status: criteria provided, single submitter. Criteria: Ambry Variant Classification Scheme 2023. Collection method: clinical testing. Allele origin: germline.

PreventionGenetics, part of Exact Sciences
Classification: Uncertain significance for KIDINS220-related condition. Last evaluated: 2025-04-08. Review status: criteria provided, single submitter. Criteria: ACMG Guidelines, 2015. Collection method: clinical testing. Allele origin: germline.
Comment: The KIDINS220 c.3440C>T variant is predicted to result in the amino acid substitution p.Thr1147Met. To our knowledge, this variant has not been reported in the literature. This variant is reported in 0.0057% of alleles in individuals of East Asian descent in gnomAD. At this time, the clinical significance of this variant is uncertain due to the absence of conclusive functional and genetic evidence.